The following is an entry in ClinVar:

NM_001148.6(ANK2):c.7732G>A (p.Glu2578Lys)

Genes: ANK2 (ankyrin 2; plus strand), LOC126807137 (CDK7 strongly-dependent group 2 enhancer GRCh37_chr4:114276560-114277759; plus strand). Cytogenetic location: 4q26.
Variant type: single nucleotide variant.
Coding change: c.7732G>A on transcript NM_001148.6 (MANE Select); coding-DNA position 7732, G replaced by A.
Protein change: p.Glu2578Lys; replaces glutamic acid 2578 with lysine.
Molecular consequence: missense variant. On other transcripts: intron variant (68).
Genome position (GRCh38, 1-based): chr4:113,356,350, G>A. VCF-style: chr4-113356350-G-A. GRCh37 (hg19) VCF-style: chr4-114277506-G-A.
Other names: c.7498G>A, p.Glu2500Lys (NM_001386142.1); c.4132G>A, p.Glu1378Lys (NM_001386166.1); c.7873G>A, p.Glu2625Lys (NM_001386174.1); c.7849G>A, p.Glu2617Lys (NM_001386175.1); c.4412-4473G>A (NM_001386186.2, NM_001386148.2); c.4214-4473G>A (NM_001354269.3); c.4292-4473G>A (NM_001386187.2); c.4253-4473G>A (NM_001386147.1); and 35 more; short protein forms E2500K, E2578K, E2625K, E1378K, E2617K.
Identifiers: ClinVar variation 4096563 (VCV004096563.1).

ClinVar aggregate classification (germline): Uncertain significance (1 of 4 stars; one submission).

Conditions:
Cardiovascular phenotype. Identifiers: MedGen CN230736.

gnomAD v4.1: 9 of 1,614,132 alleles (0.00056%); highest among the groups gnomAD compares: Non-Finnish European, 0.00076%; no homozygotes.

Submission:

Ambry Genetics
Classification: Uncertain significance for Cardiovascular phenotype. Last evaluated: 2025-07-21. Review status: criteria provided, single submitter. Criteria: Ambry Variant Classification Scheme 2023. Collection method: clinical testing. Allele origin: germline.
Comment: The p.E2578K variant (also known as c.7732G>A), located in coding exon 38 of the ANK2 gene, results from a G to A substitution at nucleotide position 7732. The glutamic acid at codon 2578 is replaced by lysine, an amino acid with similar properties. This amino acid position is conserved. In addition, this alteration is predicted to be tolerated by in silico analysis. Based on the available evidence, the clinical significance of this variant remains unclear.